The following is an entry in ClinVar:

ClinVar aggregate classification (germline): Uncertain significance. Review status: criteria provided, multiple submitters, no conflicts (2 of 4 stars). 2 submissions from 2 submitters: Uncertain significance (2). Last evaluated 2025-11-21.

Conditions:
CFTR-related disorder (CFTR-RD). Also called: CFTR-related disorders; CFTR-related condition. Identifiers: MedGen C5924204, MONDO:7770004.

Allele frequency attached by ClinVar (database versions not stated): TOPMed 0.00019; 1000 Genomes Project 0.00020; 1000 Genomes Project 30x 0.00031; gnomAD 0.00023.

Submissions (2):

Dasa
Classification: Uncertain significance. Last evaluated: 2025-11-21. Review status: criteria provided, single submitter. Criteria: DASA Assertion Criteria. Collection method: clinical testing. Allele origin: germline.
Comment: NM_000492.4(CFTR):c.*926G>A is a sequence variant. This variant is rare in population databases. The currently available literature and clinical evidence are not sufficient to establish a definitive association between this variant and the reported condition. Therefore, this variant is classified as a variant of uncertain significance.

Illumina Laboratory Services, Illumina
Classification: Uncertain significance for CFTR-Related Disorders. Last evaluated: 2018-01-15. Review status: criteria provided, single submitter. Criteria: ICSL Variant Classification Criteria 13 December 2019. Collection method: clinical testing. Allele origin: germline.

NM_000492.4(CFTR):c.*926G>A

Gene: CFTR (CF transmembrane conductance regulator; plus strand). Cytogenetic location: 7q31.2.
Variant type: single nucleotide variant.
Coding change: c.*926G>A on transcript NM_000492.4 (MANE Select); 926 bases downstream of the stop codon, G replaced by A.
Molecular consequence: 3 prime UTR variant.
Genome position (GRCh38, 1-based): chr7:117,668,034, G>A. VCF-style: chr7-117668034-G-A. GRCh37 (hg19) VCF-style: chr7-117308088-G-A.
Identifiers: ClinVar variation 911438 (VCV000911438.6), dbSNP rs530023263, ClinGen allele CA164962741.